The following is an entry in ClinVar:

ClinVar aggregate classification (germline): Uncertain significance. Review status: criteria provided, multiple submitters, no conflicts (2 of 4 stars). 2 submissions from 2 submitters: Uncertain significance (2). Last evaluated 2026-01-05.

Conditions:
HTRA1-related disorder. Also called: HTRA1-related condition.

Allele frequency attached by ClinVar (database versions not stated): gnomAD 0.00005; ExAC 0.00006; TOPMed 0.00006; gnomAD exomes 0.00010; ESP Exome Variant Server 0.00031.
gnomAD v4.1: 147 of 1,613,486 alleles (0.0091%); highest among the groups gnomAD compares: Non-Finnish European, 0.012%; no homozygotes.

Submissions (2):

Labcorp Genetics (formerly Invitae), Labcorp
Classification: Uncertain significance. Last evaluated: 2026-01-05. Review status: criteria provided, single submitter. Criteria: Invitae Variant Classification Sherloc (09022015). Collection method: clinical testing. Allele origin: germline.
Comment: This sequence change replaces valine, which is neutral and non-polar, with isoleucine, which is neutral and non-polar, at codon 451 of the HTRA1 protein (p.Val451Ile). This variant is present in population databases (rs149822364, gnomAD 0.01%). This variant has not been reported in the literature in individuals affected with HTRA1-related conditions. ClinVar contains an entry for this variant (Variation ID: 2155370). Invitae Evidence Modeling of protein sequence and biophysical properties (such as structural, functional, and spatial information, amino acid conservation, physicochemical variation, residue mobility, and thermodynamic stability) indicates that this missense variant is not expected to disrupt HTRA1 protein function with a negative predictive value of 95%. In summary, the available evidence is currently insufficient to determine the role of this variant in disease. Therefore, it has been classified as a Variant of Uncertain Significance.

PreventionGenetics, part of Exact Sciences
Classification: Uncertain significance for HTRA1-related condition. Last evaluated: 2025-10-20. Review status: criteria provided, single submitter. Criteria: ACMG Guidelines, 2015. Collection method: clinical testing. Allele origin: germline.
Comment: The HTRA1 c.1351G>A variant is predicted to result in the amino acid substitution p.Val451Ile. This variant was identified in a phenotype association study with white matter hyperintensities using UK Biobank data (Referred to as V451I, Malik et al. 2021. PubMed ID: 34626176). This variant is reported in 0.013% of alleles in individuals of European (Non-Finnish) descent in gnomAD. At this time, the clinical significance of this variant is uncertain due to the absence of conclusive functional and genetic evidence.

NM_002775.5(HTRA1):c.1351G>A (p.Val451Ile)

Gene: HTRA1 (HtrA serine peptidase 1; plus strand). Cytogenetic location: 10q26.13.
Variant type: single nucleotide variant.
Coding change: c.1351G>A on transcript NM_002775.5 (MANE Select); coding-DNA position 1351, G replaced by A.
Protein change: p.Val451Ile; replaces valine 451 with isoleucine.
Molecular consequence: missense variant.
Genome position (GRCh38, 1-based): chr10:122,514,267, G>A. VCF-style: chr10-122514267-G-A. GRCh37 (hg19) VCF-style: chr10-124273783-G-A.
Other names: c.1351G>A (NM_002775.4); short protein forms V451I.
Identifiers: ClinVar variation 2155370 (VCV002155370.5), dbSNP rs149822364, ClinGen allele CA5726164.
Genomic context (GRCh38, chr10:122,514,267, plus strand): 5'-AACGACGTCATAATCAGCATCAATGGACAGTCCGTGGTCTCCGCCAATGATGTCAGCGAC[G>A]TCATTAAAAGGGAAAGCACCCTGAACATGGTGGTCCGCAGGGGTAATGAAGATATCATGA-3'
Protein context (NP_002766.1, residues 441-461): SVVSANDVSD[Val451Ile]IKRESTLNMV